The following is an entry in ClinVar:

NM_002788.4(PSMA3):c.425G>C (p.Ser142Thr)

Gene: PSMA3 (proteasome 20S subunit alpha 3; plus strand). Cytogenetic location: 14q23.1.
Variant type: single nucleotide variant.
Coding change: c.425G>C on transcript NM_002788.4 (MANE Select); coding-DNA position 425, G replaced by C.
Protein change: p.Ser142Thr; replaces serine 142 with threonine.
Molecular consequence: missense variant. On other transcripts: non-coding transcript variant (1), splice acceptor variant (1).
Genome position (GRCh38, 1-based): chr14:58,260,968, G>C. VCF-style: chr14-58260968-G-C. GRCh37 (hg19) VCF-style: chr14-58727686-G-C.
Other names: c.405-1G>C (NM_152132.3); short protein forms S142T.
Identifiers: ClinVar variation 1717512 (VCV001717512.6), dbSNP rs2502955290, ClinGen allele CA389849809.

ClinVar aggregate classification (germline): Uncertain significance (1 of 4 stars; one submission).

Submission:

Labcorp Genetics (formerly Invitae), Labcorp
Classification: Uncertain significance. Last evaluated: 2022-08-21. Review status: criteria provided, single submitter. Criteria: Invitae Variant Classification Sherloc (09022015). Collection method: clinical testing. Allele origin: germline.
Comment: In summary, the available evidence is currently insufficient to determine the role of this variant in disease. Therefore, it has been classified as a Variant of Uncertain Significance. Algorithms developed to predict the effect of sequence changes on RNA splicing suggest that this variant may disrupt the consensus splice site. Algorithms developed to predict the effect of missense changes on protein structure and function (SIFT, PolyPhen-2, Align-GVGD) all suggest that this variant is likely to be tolerated. This variant has not been reported in the literature in individuals affected with PSMA3-related conditions. This variant is not present in population databases (gnomAD no frequency). This sequence change replaces serine, which is neutral and polar, with threonine, which is neutral and polar, at codon 142 of the PSMA3 protein (p.Ser142Thr).